The following is an entry in ClinVar:

NM_001012614.2(CTBP1):c.611T>G (p.Leu204Arg)

Genes: CTBP1 (C-terminal binding protein 1; minus strand), CTBP1-AS (CTBP1 antisense RNA; plus strand). Cytogenetic location: 4p16.3.
Variant type: single nucleotide variant.
Coding change: c.611T>G on transcript NM_001012614.2 (MANE Select); coding-DNA position 611, T replaced by G.
Protein change: p.Leu204Arg; replaces leucine 204 with arginine.
Molecular consequence: missense variant. On other transcripts: non-coding transcript variant (1).
Genome position (GRCh38, 1-based): chr4:1,216,109, A>C on the plus strand (T>G on the coding strand, the complement: CTBP1 is on the minus strand). VCF-style: chr4-1216109-A-C. GRCh37 (hg19) VCF-style: chr4-1209897-A-C.
Other names: c.644T>G, p.Leu215Arg (NM_001328.3, NM_001377186.1); c.611T>G, p.Leu204Arg (NM_001377187.1, NM_001377188.1, NM_001377189.1 and 4 more transcripts); short protein forms L204R, L215R.
Identifiers: ClinVar variation 3776702 (VCV003776702.1).

ClinVar aggregate classification (germline): Uncertain significance (1 of 4 stars; one submission).

Submission:

GeneDx
Classification: Uncertain significance. Last evaluated: 2024-10-03. Review status: criteria provided, single submitter. Criteria: GeneDx Variant Classification Process June 2021. Collection method: clinical testing. Allele origin: germline. Affected: yes.
Comment: Not observed at significant frequency in large population cohorts (gnomAD); In silico analysis supports that this missense variant has a deleterious effect on protein structure/function; Has not been previously published as pathogenic or benign to our knowledge